The following is an entry in ClinVar:

ClinVar aggregate classification (germline): Uncertain significance (1 of 4 stars; one submission).

Conditions:
Hereditary spastic paraplegia 45. Also called: Spastic paraplegia 45, autosomal recessive; SPASTIC PARAPLEGIA 45. Identifiers: Orphanet 320396, MedGen C3888209, MONDO:0013165, OMIM 613162.

Allele frequency attached by ClinVar (database versions not stated): gnomAD 0.00001; gnomAD exomes 0.00004; ExAC 0.00007.

Submission:

Labcorp Genetics (formerly Invitae), Labcorp
Classification: Uncertain significance for Hereditary spastic paraplegia 45. Last evaluated: 2021-10-23. Review status: criteria provided, single submitter. Criteria: Invitae Variant Classification Sherloc (09022015). Collection method: clinical testing. Allele origin: germline.
Comment: This sequence change replaces methionine with isoleucine at codon 19 of the NT5C2 protein (p.Met19Ile). The methionine residue is moderately conserved and there is a small physicochemical difference between methionine and isoleucine. This variant is present in population databases (rs762854961, ExAC 0.01%). This variant has not been reported in the literature in individuals affected with NT5C2-related conditions. Algorithms developed to predict the effect of missense changes on protein structure and function (SIFT, PolyPhen-2, Align-GVGD) all suggest that this variant is likely to be tolerated. In summary, the available evidence is currently insufficient to determine the role of this variant in disease. Therefore, it has been classified as a Variant of Uncertain Significance.

NM_001351169.2(NT5C2):c.57G>C (p.Met19Ile)

Gene: NT5C2 (5'-nucleotidase, cytosolic II; minus strand). Cytogenetic location: 10q24.33.
Variant type: single nucleotide variant.
Coding change: c.57G>C on transcript NM_001351169.2 (MANE Select); coding-DNA position 57, G replaced by C.
Protein change: p.Met19Ile; replaces methionine 19 with isoleucine.
Molecular consequence: missense variant. On other transcripts: 5 prime UTR variant (20).
Genome position (GRCh38, 1-based): chr10:103,174,902, C>G on the plus strand (G>C on the coding strand, the complement: NT5C2 is on the minus strand). VCF-style: chr10-103174902-C-G. GRCh37 (hg19) VCF-style: chr10-104934659-C-G.
Other names: c.57G>C, p.Met19Ile (NM_001134373.3, NM_001351170.2, NM_001351171.2 and 3 more transcripts); c.-161G>C (NM_001351175.2); c.-504G>C (NM_001351176.2); c.-578G>C (NM_001351177.2, NM_001351197.2); c.-602G>C (NM_001351178.2, NM_001351190.2); c.-770G>C (NM_001351179.2, NM_001351182.2); c.-635G>C (NM_001351180.2); c.-351G>C (NM_001351181.2); and 9 more; short protein forms M19I.
Identifiers: ClinVar variation 541767 (VCV000541767.6), dbSNP rs762854961, ClinGen allele CA5671206.